The following is an entry in ClinVar:

NM_032340.4(UQCC2):c.3G>C (p.Met1Ile)

Gene: UQCC2 (ubiquinol-cytochrome c reductase complex assembly factor 2; minus strand). Cytogenetic location: 6p21.31.
Variant type: single nucleotide variant.
Coding change: c.3G>C on transcript NM_032340.4 (MANE Select); coding-DNA position 3, G replaced by C.
Protein change: p.Met1Ile; changes the start codon (methionine 1).
Molecular consequence: missense variant, initiator codon variant.
Genome position (GRCh38, 1-based): chr6:33,711,684, C>G on the plus strand (G>C on the coding strand, the complement: UQCC2 is on the minus strand). VCF-style: chr6-33711684-C-G. GRCh37 (hg19) VCF-style: chr6-33679461-C-G.
Other names: short protein forms M1I.
Identifiers: ClinVar variation 3674174 (VCV003674174.2).

ClinVar aggregate classification (germline): Uncertain significance (1 of 4 stars; one submission).

Submission:

Labcorp Genetics (formerly Invitae), Labcorp
Classification: Uncertain significance. Last evaluated: 2024-08-24. Review status: criteria provided, single submitter. Criteria: Invitae Variant Classification Sherloc (09022015). Collection method: clinical testing. Allele origin: germline.
Comment: This sequence change affects the initiator methionine of the UQCC2 mRNA. The next in-frame methionine is located at codon 56. This variant is not present in population databases (gnomAD no frequency). This variant has not been reported in the literature in individuals affected with UQCC2-related conditions. Experimental studies and prediction algorithms are not available or were not evaluated, and the functional significance of this variant is currently unknown. In summary, the available evidence is currently insufficient to determine the role of this variant in disease. Therefore, it has been classified as a Variant of Uncertain Significance.